The following is an entry in ClinVar:

ClinVar aggregate classification (germline): Uncertain significance (1 of 4 stars; one submission).

Allele frequency attached by ClinVar (database versions not stated): gnomAD exomes 0.00001; TOPMed 0.00001.

Submission:

Labcorp Genetics (formerly Invitae), Labcorp
Classification: Uncertain significance. Last evaluated: 2022-04-01. Review status: criteria provided, single submitter. Criteria: Invitae Variant Classification Sherloc (09022015). Collection method: clinical testing. Allele origin: germline.
Comment: Algorithms developed to predict the effect of missense changes on protein structure and function output the following: SIFT: "Tolerated"; PolyPhen-2: "Possibly Damaging"; Align-GVGD: "Class C15". The isoleucine amino acid residue is found in multiple mammalian species, which suggests that this missense change does not adversely affect protein function. In summary, the available evidence is currently insufficient to determine the role of this variant in disease. Therefore, it has been classified as a Variant of Uncertain Significance. This sequence change replaces threonine, which is neutral and polar, with isoleucine, which is neutral and non-polar, at codon 91 of the BBIP1 protein (p.Thr91Ile). This variant is present in population databases (no rsID available, gnomAD 0.004%). This variant has not been reported in the literature in individuals affected with BBIP1-related conditions.

NM_001195305.3(BBIP1):c.272C>T (p.Thr91Ile)

Gene: BBIP1 (BBSome interacting protein 1; minus strand). Cytogenetic location: 10q25.2.
Variant type: single nucleotide variant.
Coding change: c.272C>T on transcript NM_001195305.3 (MANE Select); coding-DNA position 272, C replaced by T.
Protein change: p.Thr91Ile; replaces threonine 91 with isoleucine.
Molecular consequence: missense variant. On other transcripts: 3 prime UTR variant (1).
Genome position (GRCh38, 1-based): chr10:110,900,367, G>A on the plus strand (C>T on the coding strand, the complement: BBIP1 is on the minus strand). VCF-style: chr10-110900367-G-A. GRCh37 (hg19) VCF-style: chr10-112660125-G-A.
Other names: c.*117C>T (NM_001195304.2); c.272C>T, p.Thr91Ile (NM_001195306.2); c.197C>T, p.Thr66Ile (NM_001195307.2); c.206C>T, p.Thr69Ile (NM_001243783.3); short protein forms T66I, T91I, T69I.
Identifiers: ClinVar variation 1969244 (VCV001969244.5), dbSNP rs1258067519, ClinGen allele CA378388581.
Genomic context (GRCh38, chr10:110,900,367, plus strand): 5'-TATTGTTAAATAGTAGATAAGGCAGGTTGTTCCCTAAAGTGCTCAGTTATCATTCAGTGG[G>A]TTATTTGCCGTTGATCCTTTTCTGCCATTTCTTGTTGGCGAATTGTATTCTGTGCTGCTT-3'
Protein context (NP_001182234.1, residues 81-92): EMAEKDQRQI[Thr91Ile]H